The following is an entry in ClinVar:

ClinVar aggregate classification (germline): Uncertain significance. Review status: criteria provided, multiple submitters, no conflicts (2 of 4 stars). 3 submissions from 2 submitters: Uncertain significance (3). Last evaluated 2023-02-24.

Conditions:
Bietti crystalline corneoretinal dystrophy (BCD). Also called: Bietti Crystalline Dystrophy; BIETTI TAPETORETINAL DEGENERATION WITH MARGINAL CORNEAL DYSTROPHY. Identifiers: Orphanet 41751, MedGen C1859486, MONDO:0008865, OMIM 210370.
Corneal dystrophy. Identifiers: Orphanet 34533, MedGen C0010036, MONDO:0018102, HP:0001131.

Allele frequency attached by ClinVar (database versions not stated): TOPMed 0.00002; gnomAD 0.00003 and 0.00004; gnomAD exomes 0.00003.
gnomAD v4.1: 54 of 1,584,722 alleles (0.0034%); highest among the groups gnomAD compares: Admixed American, 0.007%; no homozygotes.

Submissions (3):

Labcorp Genetics (formerly Invitae), Labcorp
Classification: Uncertain significance. Last evaluated: 2023-02-24. Review status: criteria provided, single submitter. Criteria: Invitae Variant Classification Sherloc (09022015). Collection method: clinical testing. Allele origin: germline.
Comment: In summary, the available evidence is currently insufficient to determine the role of this variant in disease. Therefore, it has been classified as a Variant of Uncertain Significance. Advanced modeling of protein sequence and biophysical properties (such as structural, functional, and spatial information, amino acid conservation, physicochemical variation, residue mobility, and thermodynamic stability) has been performed at Invitae for this missense variant, however the output from this modeling did not meet the statistical confidence thresholds required to predict the impact of this variant on CYP4V2 protein function. ClinVar contains an entry for this variant (Variation ID: 348297). This variant has not been reported in the literature in individuals affected with CYP4V2-related conditions. The frequency data for this variant in the population databases is considered unreliable, as metrics indicate poor data quality at this position in the gnomAD database. This sequence change replaces arginine, which is basic and polar, with serine, which is neutral and polar, at codon 55 of the CYP4V2 protein (p.Arg55Ser).

Illumina Laboratory Services, Illumina
Classification: Uncertain significance for Bietti crystalline corneoretinal dystrophy. Last evaluated: 2018-01-12. Review status: criteria provided, single submitter. Criteria: ICSL Variant Classification Criteria 13 December 2019. Collection method: clinical testing. Allele origin: germline.

Illumina Laboratory Services, Illumina
Classification: Uncertain significance for Corneal dystrophy. Last evaluated: 2018-01-12. Review status: criteria provided, single submitter. Criteria: ICSL Variant Classification Criteria 13 December 2019. Collection method: clinical testing. Allele origin: germline.

NM_207352.4(CYP4V2):c.163C>A (p.Arg55Ser)

Gene: CYP4V2 (cytochrome P450 family 4 subfamily V member 2; plus strand). Cytogenetic location: 4q35.1.
Variant type: single nucleotide variant.
Coding change: c.163C>A on transcript NM_207352.4 (MANE Select); coding-DNA position 163, C replaced by A.
Protein change: p.Arg55Ser; replaces arginine 55 with serine.
Molecular consequence: missense variant.
Genome position (GRCh38, 1-based): chr4:186,191,986, C>A. VCF-style: chr4-186191986-C-A. GRCh37 (hg19) VCF-style: chr4-187113140-C-A.
Other names: short protein forms R55S.
Identifiers: ClinVar variation 348297 (VCV000348297.9), dbSNP rs760001831, ClinGen allele CA10618426.